The following is an entry in ClinVar:

NM_032119.4(ADGRV1):c.18646del (p.Ala6216fs)

Gene: ADGRV1 (adhesion G protein-coupled receptor V1; plus strand). Cytogenetic location: 5q14.3.
Variant type: Deletion.
Coding change: c.18646del on transcript NM_032119.4 (MANE Select); coding-DNA position 18646, one base deleted (G; older notation c.18646delG).
Protein change: p.Ala6216fs; shifts the reading frame from alanine 6216.
Molecular consequence: frameshift variant. On other transcripts: non-coding transcript variant (1).
Genome position (GRCh38, 1-based): chr5:91,153,242, G deleted. VCF-style (leftmost placement, unchanged base first): chr5-91153241-AG-A. GRCh37 (hg19) VCF-style: chr5-90449058-AG-A.
Other names: short protein forms A6216fs.
Identifiers: ClinVar variation 1804842 (VCV001804842.4), dbSNP rs776592421, ClinGen allele CA3342718.

ClinVar aggregate classification (germline): Pathogenic/Likely pathogenic. Review status: criteria provided, multiple submitters, no conflicts (2 of 4 stars). 3 submissions from 3 submitters: Pathogenic (2); Likely pathogenic (1). Last evaluated 2024-06-04.

Conditions:
ADGRV1-related disorder. Also called: ADGRV1-related disorders; ADGRV1-related condition.
Usher syndrome. Also called: Usher Syndromes; Usher's syndrome. Identifiers: Orphanet 886, MedGen CN469326, MeSH D052245, MONDO:0019501. Disease mechanism: loss of function.

Allele frequency attached by ClinVar (database versions not stated): gnomAD exomes below 0.00001; ExAC 0.00001; ESP Exome Variant Server 0.00009.

Submissions (3):

Blueprint Genetics
Classification: Pathogenic for ADGRV1-related disorders. Last evaluated: 2024-06-04. Review status: criteria provided, single submitter. Criteria: ACMG Guidelines, 2015. Collection method: clinical testing. Allele origin: germline. Affected: yes. Observed: 5 variant alleles.

Labcorp Genetics (formerly Invitae), Labcorp
Classification: Pathogenic. Last evaluated: 2024-02-01. Review status: criteria provided, single submitter. Criteria: Invitae Variant Classification Sherloc (09022015). Collection method: clinical testing. Allele origin: germline.
Comment: This sequence change creates a premature translational stop signal (p.Ala6216Hisfs*13) in the ADGRV1 gene. It is expected to result in an absent or disrupted protein product. Loss-of-function variants in ADGRV1 are known to be pathogenic (PMID: 19357117, 22135276, 22147658, 26226137, 30718709, 31047384, 32467589). This variant is present in population databases (rs776592421, gnomAD 0.003%). This premature translational stop signal has been observed in individual(s) with ADGRV1-related conditions (PMID: 19357117, 32037395). ClinVar contains an entry for this variant (Variation ID: 1804842). For these reasons, this variant has been classified as Pathogenic.

Women's Health and Genetics/Laboratory Corporation of America, LabCorp
Classification: Likely pathogenic for Usher syndrome. Last evaluated: 2022-11-17. Review status: criteria provided, single submitter. Criteria: LabCorp Variant Classification Summary - May 2015. Collection method: clinical testing. Allele origin: germline.
Comment: Variant summary: ADGRV1 c.18646delG (p.Ala6216HisfsX13) results in a premature termination codon in the penultimate exon, predicted to cause a truncation of the encoded protein or absence of the protein due to nonsense mediated decay, which are commonly known mechanisms for disease. Truncations downstream of this position have been reported in affected individuals (HGMD). The variant allele was found at a frequency of 1.3e-05 in 238572 control chromosomes (gnomAD). c.18646delG has been reported in the literature in individuals affected with Usher Syndrome or retinal disease (e.g. Ebermann_2009, Zampaglione_2020). These data indicate that the variant likely associated with disease. To our knowledge, no experimental evidence demonstrating an impact on protein function has been reported. No clinical diagnostic laboratories have submitted clinical-significance assessments for this variant to ClinVar after 2014. Based on the evidence outlined above, the variant was classified as likely pathogenic.

Literature cited by the submitters: PubMed 19357117 (cited by Labcorp Genetics (formerly Invitae), Labcorp and Women's Health and Genetics/Laboratory Corporation of America, LabCorp); PubMed 22135276 (cited by Labcorp Genetics (formerly Invitae), Labcorp); PubMed 22147658 (cited by Labcorp Genetics (formerly Invitae), Labcorp); PubMed 26226137 (cited by Labcorp Genetics (formerly Invitae), Labcorp); PubMed 30718709 (cited by Labcorp Genetics (formerly Invitae), Labcorp); PubMed 31047384 (cited by Labcorp Genetics (formerly Invitae), Labcorp); PubMed 32467589 (cited by Labcorp Genetics (formerly Invitae), Labcorp); PubMed 32037395 (cited by Labcorp Genetics (formerly Invitae), Labcorp and Women's Health and Genetics/Laboratory Corporation of America, LabCorp); PubMed 35813073 (cited by Women's Health and Genetics/Laboratory Corporation of America, LabCorp).